The following is an entry in ClinVar:

ClinVar aggregate classification (germline): Likely benign (1 of 4 stars; one submission).

Allele frequency attached by ClinVar (database versions not stated): 1000 Genomes Project 30x 0.00250; TOPMed 0.00537; ESP Exome Variant Server 0.00623; gnomAD 0.00907; ExAC 0.00921; gnomAD exomes 0.01020; 1000 Genomes Project 0.00240.

Submission:

CeGaT Center for Human Genetics Tuebingen
Classification: Likely benign. Last evaluated: 2022-11-01. Review status: criteria provided, single submitter. Criteria: CeGaT Center For Human Genetics Tuebingen Variant Classification Criteria Version 2. Collection method: clinical testing. Allele origin: germline. Affected: yes. Observed: 1 variant allele.
Comment: CNTROB: BP4, BP7, BS2

NM_053051.5(CNTROB):c.2190C>T (p.Asp730=)

Gene: CNTROB (centrobin, centriole duplication and spindle assembly protein; plus strand). Cytogenetic location: 17p13.1.
Variant type: single nucleotide variant.
Coding change: c.2190C>T on transcript NM_053051.5 (MANE Select); coding-DNA position 2190, C replaced by T.
Protein change: p.Asp730=; no amino-acid change (aspartic acid 730 retained).
Molecular consequence: synonymous variant.
Genome position (GRCh38, 1-based): chr17:7,947,960, C>T. VCF-style: chr17-7947960-C-T. GRCh37 (hg19) VCF-style: chr17-7851278-C-T.
Other names: c.2190C>T, p.Asp730= (NM_001037144.7, NM_001330124.3, NM_001353202.2 and 5 more transcripts); c.1632C>T, p.Asp544= (NM_001353204.2); c.1923C>T, p.Asp641= (NM_001353205.2).
Identifiers: ClinVar variation 2647443 (VCV002647443.24), dbSNP rs74595649, ClinGen allele CA8365251.
Genomic context (GRCh38, chr17:7,947,960, plus strand): 5'-TCTTATTCACCCACAGTTGCTGGAGACAGTGCCCCAGAACAATGAGAACCCTTCTGTCGA[C>T]CTGTTGCCCCCTAAGTCTGGTGAGTTCCAACTCTGAAGAAGGTTGGGGCTGGGGCCTAGG-3'
Protein context (NP_444279.2, residues 720-740): VPQNNENPSV[Asp730=]LLPPKSGPLT